The following is an entry in ClinVar:

NM_001048174.2(MUTYH):c.1004G>T (p.Ser335Ile)

Gene: MUTYH (mutY DNA glycosylase; minus strand). Cytogenetic location: 1p34.1.
Variant type: single nucleotide variant.
Coding change: c.1004G>T on transcript NM_001048174.2 (MANE Select); coding-DNA position 1004, G replaced by T.
Protein change: p.Ser335Ile; replaces serine 335 with isoleucine.
Molecular consequence: missense variant. On other transcripts: non-coding transcript variant (7).
Genome position (GRCh38, 1-based): chr1:45,331,759, C>A on the plus strand (G>T on the coding strand, the complement: MUTYH is on the minus strand). VCF-style: chr1-45331759-C-A. GRCh37 (hg19) VCF-style: chr1-45797431-C-A.
Other names: c.1004G>T, p.Ser335Ile (NM_001048171.2, NM_001048173.2, NM_001407070.1 and 6 more transcripts); c.1007G>T, p.Ser336Ile (NM_001048172.2, NM_001407071.1, NM_001407078.1 and 1 more transcripts); c.920G>T, p.Ser307Ile (NM_001407075.1); c.1037G>T, p.Ser346Ile (NM_001407077.1, NM_001293191.2, NM_001407069.1); c.965G>T, p.Ser322Ile (NM_001407079.1); c.962G>T, p.Ser321Ile (NM_001407080.1); c.1088G>T, p.Ser363Ile (NM_001128425.2); c.1049G>T, p.Ser350Ile (NM_001293190.2); and 5 more; short protein forms S321I, S350I, S360I, S363I, S322I, S335I, S220I, S243I.
Identifiers: ClinVar variation 4113003 (VCV004113003.1).

ClinVar aggregate classification (germline): Uncertain significance (1 of 4 stars; one submission).

Conditions:
Hereditary cancer-predisposing syndrome. Also called: Tumor predisposition; Neoplastic Syndromes, Hereditary; Hereditary neoplastic syndrome; Hereditary Cancer Syndrome. Identifiers: Orphanet 140162, MedGen C0027672, MeSH D009386, MONDO:0015356.

Submission:

Ambry Genetics
Classification: Uncertain significance for Hereditary cancer-predisposing syndrome. Last evaluated: 2025-08-27. Review status: criteria provided, single submitter. Criteria: Ambry Variant Classification Scheme 2023. Collection method: clinical testing. Allele origin: germline.
Comment: The p.S363I variant (also known as c.1088G>T), located in coding exon 12 of the MUTYH gene, results from a G to T substitution at nucleotide position 1088. The serine at codon 363 is replaced by isoleucine, an amino acid with dissimilar properties. This amino acid position is conserved. In addition, this alteration is predicted to be tolerated by in silico analysis. Based on the available evidence, the clinical significance of this variant remains unclear.